The following is an entry in ClinVar:

ClinVar aggregate classification (germline): Uncertain significance (1 of 4 stars; one submission).

Conditions:
Inborn genetic diseases. Identifiers: MedGen C0950123, MeSH D030342.

Submission:

Ambry Genetics
Classification: Uncertain significance for Inborn genetic diseases. Last evaluated: 2025-12-02. Review status: criteria provided, single submitter. Criteria: Ambry Variant Classification Scheme 2023. Collection method: clinical testing. Allele origin: germline.
Comment: The p.C397F variant (also known as c.1190G>T), located in coding exon 9 of the BMPR2 gene, results from a G to T substitution at nucleotide position 1190. The cysteine at codon 397 is replaced by phenylalanine, an amino acid with highly dissimilar properties. This amino acid position is conserved. In addition, this alteration is predicted to be deleterious by in silico analysis. Based on the available evidence, the clinical significance of this variant remains unclear.

NM_001204.7(BMPR2):c.1190G>T (p.Cys397Phe)

Gene: BMPR2 (bone morphogenetic protein receptor type 2; plus strand). Cytogenetic location: 2q33.2.
Variant type: single nucleotide variant.
Coding change: c.1190G>T on transcript NM_001204.7 (MANE Select); coding-DNA position 1190, G replaced by T.
Protein change: p.Cys397Phe; replaces cysteine 397 with phenylalanine.
Molecular consequence: missense variant.
Genome position (GRCh38, 1-based): chr2:202,532,646, G>T. VCF-style: chr2-202532646-G-T. GRCh37 (hg19) VCF-style: chr2-203397369-G-T.
Other names: short protein forms C397F.
Identifiers: ClinVar variation 4598029 (VCV004598029.1).